The following is an entry in ClinVar:

NM_018979.4(WNK1):c.4553T>C (p.Leu1518Ser)

Gene: WNK1 (WNK lysine deficient protein kinase 1; plus strand). Cytogenetic location: 12p13.33.
Variant type: single nucleotide variant.
Coding change: c.4553T>C on transcript NM_018979.4 (MANE Select); coding-DNA position 4553, T replaced by C.
Protein change: p.Leu1518Ser; replaces leucine 1518 with serine.
Molecular consequence: missense variant.
Genome position (GRCh38, 1-based): chr12:885,357, T>C. VCF-style: chr12-885357-T-C. GRCh37 (hg19) VCF-style: chr12-994523-T-C.
Other names: c.5333T>C, p.Leu1778Ser (NM_001184985.2); c.3812T>C, p.Leu1271Ser (NM_014823.3); c.5309T>C, p.Leu1770Ser (NM_213655.5); short protein forms L1518S, L1271S, L1770S, L1778S.
Identifiers: ClinVar variation 2179909 (VCV002179909.4), dbSNP rs770885455, ClinGen allele CA6382993.

ClinVar aggregate classification (germline): Uncertain significance (1 of 4 stars; one submission).

Conditions:
Neuropathy, hereditary sensory and autonomic, type 2A (HSAN2A). Also called: ACROOSTEOLYSIS, GIACCAI TYPE; ACROOSTEOLYSIS, NEUROGENIC; MORVAN DISEASE; NEUROPATHY, CONGENITAL SENSORY; NEUROPATHY, HEREDITARY SENSORY RADICULAR, AUTOSOMAL RECESSIVE; NEUROPATHY, HEREDITARY SENSORY, TYPE IIA. Identifiers: Orphanet 970, MedGen C2752089, MONDO:0024309, OMIM 201300.
Pseudohypoaldosteronism type 2C (PHA2C). Also called: Pseudohypoaldosteronism Type IIC. Identifiers: Orphanet 757, Orphanet 88940, MedGen C1840391, MONDO:0013778, OMIM 614492.

Allele frequency attached by ClinVar (database versions not stated): ExAC 0.00001; TOPMed 0.00001; gnomAD 0.00002; gnomAD exomes 0.00002.
gnomAD v4.1: 25 of 1,613,870 alleles (0.0015%); highest among the groups gnomAD compares: African/African-American, 0.004%; no homozygotes.

Submission:

Labcorp Genetics (formerly Invitae), Labcorp
Classification: Uncertain significance for Neuropathy, hereditary sensory and autonomic, type 2A; Pseudohypoaldosteronism type 2C. Last evaluated: 2022-12-23. Review status: criteria provided, single submitter. Criteria: Invitae Variant Classification Sherloc (09022015). Collection method: clinical testing. Allele origin: germline.
Comment: This variant has not been reported in the literature in individuals affected with WNK1-related conditions. This variant is present in population databases (rs770885455, gnomAD 0.007%). This sequence change replaces leucine, which is neutral and non-polar, with serine, which is neutral and polar, at codon 1770 of the WNK1 protein (p.Leu1770Ser). Advanced modeling of protein sequence and biophysical properties (such as structural, functional, and spatial information, amino acid conservation, physicochemical variation, residue mobility, and thermodynamic stability) performed at Invitae indicates that this missense variant is not expected to disrupt WNK1 protein function. In summary, the available evidence is currently insufficient to determine the role of this variant in disease. Therefore, it has been classified as a Variant of Uncertain Significance.